The following is an entry in ClinVar:

ClinVar aggregate classification (germline): Uncertain significance (1 of 4 stars; one submission).

Conditions:
Ataxia-telangiectasia syndrome (AT). Also called: LOUIS-BAR SYNDROME; Ataxia-telangiectasia; Cerebello-oculocutaneous telangiectasia; Immunodeficiency with ataxia telangiectasia; ATAXIA-TELANGIECTASIA, COMPLEMENTATION GROUP A; ATAXIA-TELANGIECTASIA, FRESNO VARIANT. Identifiers: Orphanet 100, MedGen C0004135, MONDO:0008840, OMIM 208900.

Submission:

Labcorp Genetics (formerly Invitae), Labcorp
Classification: Uncertain significance for Ataxia-telangiectasia syndrome. Last evaluated: 2020-11-17. Review status: criteria provided, single submitter. Criteria: Invitae Variant Classification Sherloc (09022015). Collection method: clinical testing. Allele origin: germline.
Comment: In summary, the available evidence is currently insufficient to determine the role of this variant in disease. Therefore, it has been classified as a Variant of Uncertain Significance. Advanced modeling of protein sequence and biophysical properties (such as structural, functional, and spatial information, amino acid conservation, physicochemical variation, residue mobility, and thermodynamic stability) performed at Invitae indicates that this missense variant is not expected to disrupt ATM protein function. This variant has not been reported in the literature in individuals with ATM-related conditions. This variant is not present in population databases (ExAC no frequency). This sequence change replaces aspartic acid with valine at codon 1803 of the ATM protein (p.Asp1803Val). The aspartic acid residue is weakly conserved and there is a large physicochemical difference between aspartic acid and valine.

NM_000051.4(ATM):c.5408A>T (p.Asp1803Val)

Gene: ATM (ATM serine/threonine kinase; plus strand). Cytogenetic location: 11q22.3.
Variant type: single nucleotide variant.
Coding change: c.5408A>T on transcript NM_000051.4 (MANE Select); coding-DNA position 5408, A replaced by T.
Protein change: p.Asp1803Val; replaces aspartic acid 1803 with valine.
Molecular consequence: missense variant.
Genome position (GRCh38, 1-based): chr11:108,302,941, A>T. VCF-style: chr11-108302941-A-T. GRCh37 (hg19) VCF-style: chr11-108173668-A-T.
Other names: c.5408A>T, p.Asp1803Val (NM_001351834.2); short protein forms D1803V.
Identifiers: ClinVar variation 1491253 (VCV001491253.8), dbSNP rs2135929138, ClinGen allele CA382543791.